The following is an entry in ClinVar:

ClinVar aggregate classification (germline): Uncertain significance (1 of 4 stars; one submission).

Conditions:
Hereditary pancreatitis (PCTT). Also called: Hereditary chronic pancreatitis; PRSS1-Related Hereditary Pancreatitis. Identifiers: Orphanet 676, MedGen C0238339, MONDO:0008185, OMIM 167800.

Submission:

Ambry Genetics
Classification: Uncertain significance for Hereditary pancreatitis. Last evaluated: 2024-07-09. Review status: criteria provided, single submitter. Criteria: Ambry Variant Classification Scheme 2023. Collection method: clinical testing. Allele origin: germline.
Comment: The p.V102A variant (also known as c.305T>C), located in coding exon 4 of the CTRC gene, results from a T to C substitution at nucleotide position 305. The valine at codon 102 is replaced by alanine, an amino acid with similar properties. This amino acid position is conserved. In addition, this alteration is predicted to be tolerated by in silico analysis. Based on the available evidence, the clinical significance of this variant remains unclear.

NM_007272.3(CTRC):c.305T>C (p.Val102Ala)

Gene: CTRC (chymotrypsin C; plus strand). Cytogenetic location: 1p36.21.
Variant type: single nucleotide variant.
Coding change: c.305T>C on transcript NM_007272.3 (MANE Select); coding-DNA position 305, T replaced by C.
Protein change: p.Val102Ala; replaces valine 102 with alanine.
Molecular consequence: missense variant.
Genome position (GRCh38, 1-based): chr1:15,442,521, T>C. VCF-style: chr1-15442521-T-C. GRCh37 (hg19) VCF-style: chr1-15769017-T-C.
Other names: short protein forms V102A.
Identifiers: ClinVar variation 3498396 (VCV003498396.1).